The following is an entry in ClinVar:

NM_006218.4(PIK3CA):c.591A>G (p.Ile197Met)

Gene: PIK3CA (phosphatidylinositol-4,5-bisphosphate 3-kinase catalytic subunit alpha; plus strand). Cytogenetic location: 3q26.32.
Variant type: single nucleotide variant.
Coding change: c.591A>G on transcript NM_006218.4 (MANE Select); coding-DNA position 591, A replaced by G.
Protein change: p.Ile197Met; replaces isoleucine 197 with methionine.
Molecular consequence: missense variant.
Genome position (GRCh38, 1-based): chr3:179,201,318, A>G. VCF-style: chr3-179201318-A-G. GRCh37 (hg19) VCF-style: chr3-178919106-A-G.
Other names: short protein forms I197M.
Identifiers: ClinVar variation 3418536 (VCV003418536.1).

ClinVar aggregate classification (germline): Uncertain significance (1 of 4 stars; one submission).

Conditions:
Inborn genetic diseases. Identifiers: MedGen C0950123, MeSH D030342.

gnomAD v4.1: 1 of 1,612,606 alleles (0.000062%); highest among the groups gnomAD compares: Non-Finnish European, 0.000085%; no homozygotes.

Submission:

Ambry Genetics
Classification: Uncertain significance for Inborn genetic diseases. Last evaluated: 2024-09-25. Review status: criteria provided, single submitter. Criteria: Ambry Variant Classification Scheme 2023. Collection method: clinical testing. Allele origin: germline.
Comment: The p.I197M variant (also known as c.591A>G), located in coding exon 3 of the PIK3CA gene, results from an A to G substitution at nucleotide position 591. The isoleucine at codon 197 is replaced by methionine, an amino acid with highly similar properties. This amino acid position is conserved. In addition, the in silico prediction for this alteration is inconclusive. Based on the available evidence, the clinical significance of this variant remains unclear.